The following is an entry in ClinVar:

ClinVar aggregate classification (germline): Conflicting classifications of pathogenicity. Review status: criteria provided, conflicting classifications (1 of 4 stars). 4 submissions from 4 submitters: Uncertain significance (1); Likely benign (2). 1 of the submissions does not count toward it. Last evaluated 2026-02-02.

Conditions:
SUCLA2-related disorder. Also called: SUCLA2-related condition.
Mitochondrial DNA depletion syndrome, encephalomyopathic form with methylmalonic aciduria (MTDPS5). Also called: Mitochondrial encephalomyopathy aminoacidopathy; MITOCHONDRIAL DNA DEPLETION SYNDROME, ENCEPHALOMYOPATHIC FORM, WITH OR WITHOUT METHYLMALONIC ACIDURIA, AUTOSOMAL RECESSIVE, SUCLA2-RELATED; Mitochondrial DNA depletion syndrome 5 (encephalomyopathic with or without methylmalonic aciduria); SUCLA2-Related Mitochondrial DNA Depletion Syndrome, Encephalomyopathic Form with Methylmalonic Aciduria. Identifiers: Orphanet 1933, MedGen C5980207, MONDO:0012791, OMIM 612073.

Allele frequency attached by ClinVar (database versions not stated): gnomAD exomes 0.00005 and 0.00012; ExAC 0.00020; ESP Exome Variant Server 0.00038; gnomAD 0.00044 and 0.00048; TOPMed 0.00046; 1000 Genomes Project 0.00060; 1000 Genomes Project 30x 0.00062.
gnomAD v4.1: 156 of 1,613,478 alleles (0.0097%); highest among the groups gnomAD compares: African/African-American, 0.16%; no homozygotes.

Submissions (4):

Labcorp Genetics (formerly Invitae), Labcorp
Classification: Likely benign for Mitochondrial DNA depletion syndrome, encephalomyopathic form with methylmalonic aciduria. Last evaluated: 2026-02-02. Review status: criteria provided, single submitter. Criteria: Invitae Variant Classification Sherloc (09022015). Collection method: clinical testing. Allele origin: germline.

Blueprint Genetics
Classification: Likely benign. Last evaluated: 2024-11-11. Review status: criteria provided, single submitter. Criteria: ACMG Guidelines, 2015. Collection method: clinical testing. Allele origin: germline.

GeneDx
Classification: Uncertain significance. Last evaluated: 2022-10-28. Review status: criteria provided, single submitter. Criteria: GeneDx Variant Classification Process June 2021. Collection method: clinical testing. Allele origin: germline. Affected: yes.
Comment: In silico analysis supports that this variant does not alter splicing; Has not been previously published as pathogenic or benign to our knowledge

PreventionGenetics, part of Exact Sciences
Classification: Likely benign for SUCLA2-related condition. Last evaluated: 2019-12-18. Review status: no assertion criteria provided. Collection method: clinical testing. Allele origin: germline. Not counted in ClinVar's aggregate classification.
Comment: This variant is classified as likely benign based on ACMG/AMP sequence variant interpretation guidelines (Richards et al. 2015 PMID: 25741868, with internal and published modifications).

NM_003850.3(SUCLA2):c.255A>G (p.Ala85=)

Gene: SUCLA2 (succinate-CoA ligase ADP-forming subunit beta; minus strand). Cytogenetic location: 13q14.2.
Variant type: single nucleotide variant.
Coding change: c.255A>G on transcript NM_003850.3 (MANE Select); coding-DNA position 255, A replaced by G.
Protein change: p.Ala85=; no amino-acid change (alanine 85 retained).
Molecular consequence: synonymous variant.
Genome position (GRCh38, 1-based): chr13:47,996,859, T>C on the plus strand (A>G on the coding strand, the complement: SUCLA2 is on the minus strand). VCF-style: chr13-47996859-T-C. GRCh37 (hg19) VCF-style: chr13-48570994-T-C.
Identifiers: ClinVar variation 705289 (VCV000705289.14), dbSNP rs149108442, ClinGen allele CA6978060.